The following is an entry in ClinVar:

ClinVar aggregate classification (germline): Likely benign. Review status: criteria provided, multiple submitters, no conflicts (2 of 4 stars). 3 submissions from 3 submitters: Likely benign (2). 1 of the submissions does not count toward it. Last evaluated 2026-01-05.

Conditions:
AHR-related disorder. Also called: AHR-related condition.

Allele frequency attached by ClinVar (database versions not stated): 1000 Genomes Project 0.00100; 1000 Genomes Project 30x 0.00125; ESP Exome Variant Server 0.00185; gnomAD exomes 0.00244; gnomAD 0.00265 and 0.00276; ExAC 0.00272; TOPMed 0.00286.
gnomAD v4.1: 4,988 of 1,614,178 alleles (0.31%); highest among the groups gnomAD compares: Admixed American, 0.45%; 12 homozygotes.

Submissions (17):

Labcorp Genetics (formerly Invitae), Labcorp
Classification: Likely benign. Last evaluated: 2026-01-05. Review status: criteria provided, single submitter. Criteria: Invitae Variant Classification Sherloc (09022015). Collection method: clinical testing. Allele origin: germline.

Breakthrough Genomics
Classification: Likely benign. Review status: criteria provided, single submitter. Criteria: ACMG Guidelines, 2015. Collection method: not provided. Allele origin: germline. Inheritance: Autosomal recessive inheritance. Affected: yes.

PreventionGenetics, part of Exact Sciences
Classification: Likely benign for AHR-related condition. Last evaluated: 2022-02-26. Review status: no assertion criteria provided. Collection method: clinical testing. Allele origin: germline. Not counted in ClinVar's aggregate classification.
Comment: This variant is classified as likely benign based on ACMG/AMP sequence variant interpretation guidelines (Richards et al. 2015 PMID: 25741868, with internal and published modifications).

Dr. Peter K. Rogan Lab, Western University
No classification provided (evidence only). Condition: Clear cell carcinoma of kidney. Review status: no classification provided. Collection method: in vitro. Allele origin: not applicable. Functional consequence: retained intron. Not counted in ClinVar's aggregate classification.

Dr. Peter K. Rogan Lab, Western University
No classification provided (evidence only). Condition: Familial cancer of breast. Review status: no classification provided. Collection method: in vitro. Allele origin: not applicable. Functional consequence: retained intron. Not counted in ClinVar's aggregate classification.

Dr. Peter K. Rogan Lab, Western University
No classification provided (evidence only). Condition: Familial cancer of breast. Review status: no classification provided. Collection method: in vitro. Allele origin: not applicable. Functional consequence: retained intron. Not counted in ClinVar's aggregate classification.

Dr. Peter K. Rogan Lab, Western University
No classification provided (evidence only). Condition: Familial cancer of breast. Review status: no classification provided. Collection method: in vitro. Allele origin: not applicable. Functional consequence: retained intron. Not counted in ClinVar's aggregate classification.

Dr. Peter K. Rogan Lab, Western University
No classification provided (evidence only). Condition: Familial cancer of breast. Review status: no classification provided. Collection method: in vitro. Allele origin: not applicable. Functional consequence: retained intron. Not counted in ClinVar's aggregate classification.

Dr. Peter K. Rogan Lab, Western University
No classification provided (evidence only). Condition: Acute myeloid leukemia. Review status: no classification provided. Collection method: in vitro. Allele origin: not applicable. Functional consequence: retained intron. Not counted in ClinVar's aggregate classification.

Dr. Peter K. Rogan Lab, Western University
No classification provided (evidence only). Condition: Hepatocellular carcinoma. Review status: no classification provided. Collection method: in vitro. Allele origin: not applicable. Functional consequence: retained intron. Not counted in ClinVar's aggregate classification.

Dr. Peter K. Rogan Lab, Western University
No classification provided (evidence only). Condition: Ovarian serous cystadenocarcinoma. Review status: no classification provided. Collection method: in vitro. Allele origin: not applicable. Functional consequence: retained intron. Not counted in ClinVar's aggregate classification.

Dr. Peter K. Rogan Lab, Western University
No classification provided (evidence only). Condition: Ovarian serous cystadenocarcinoma. Review status: no classification provided. Collection method: in vitro. Allele origin: not applicable. Functional consequence: retained intron. Not counted in ClinVar's aggregate classification.

Dr. Peter K. Rogan Lab, Western University
No classification provided (evidence only). Condition: Ovarian serous cystadenocarcinoma. Review status: no classification provided. Collection method: in vitro. Allele origin: not applicable. Functional consequence: retained intron. Not counted in ClinVar's aggregate classification.

Dr. Peter K. Rogan Lab, Western University
No classification provided (evidence only). Condition: Ovarian serous cystadenocarcinoma. Review status: no classification provided. Collection method: in vitro. Allele origin: not applicable. Functional consequence: retained intron. Not counted in ClinVar's aggregate classification.

Dr. Peter K. Rogan Lab, Western University
No classification provided (evidence only). Condition: Ovarian serous cystadenocarcinoma. Review status: no classification provided. Collection method: in vitro. Allele origin: not applicable. Functional consequence: retained intron. Not counted in ClinVar's aggregate classification.

Dr. Peter K. Rogan Lab, Western University
No classification provided (evidence only). Condition: Gastric cancer. Review status: no classification provided. Collection method: in vitro. Allele origin: not applicable. Functional consequence: retained intron. Not counted in ClinVar's aggregate classification.

Dr. Peter K. Rogan Lab, Western University
No classification provided (evidence only). Condition: Gastric cancer. Review status: no classification provided. Collection method: in vitro. Allele origin: not applicable. Functional consequence: retained intron. Not counted in ClinVar's aggregate classification.

NM_001621.5(AHR):c.2356A>G (p.Met786Val)

Gene: AHR (aryl hydrocarbon receptor; plus strand). Cytogenetic location: 7p21.1.
Variant type: single nucleotide variant.
Coding change: c.2356A>G on transcript NM_001621.5 (MANE Select); coding-DNA position 2356, A replaced by G.
Protein change: p.Met786Val; replaces methionine 786 with valine.
Molecular consequence: missense variant.
Genome position (GRCh38, 1-based): chr7:17,340,181, A>G. VCF-style: chr7-17340181-A-G. GRCh37 (hg19) VCF-style: chr7-17379805-A-G.
Other names: c.2356A>G (NM_001621.4); short protein forms M786V.
Identifiers: ClinVar variation 1109514 (VCV001109514.13), dbSNP rs72552769, ClinGen allele CA4172279.
Genomic context (GRCh38, chr7:17,340,181, plus strand): 5'-GCTGGGGCCGTGTCGATGTATCAGTGCCAGCCAGAACCTCAGCACACCCACGTGGGTCAG[A>G]TGCAGTACAATCCAGTACTGCCAGGCCAACAGGCATTTTTAAACAAGGTAAGGGTGTTAT-3'
Protein context (NP_001612.1, residues 776-796): PEPQHTHVGQ[Met786Val]QYNPVLPGQQ